The following is an entry in ClinVar:

NM_001134831.2(AHI1):c.1913-153G>A

Gene: AHI1 (Abelson helper integration site 1; minus strand). Cytogenetic location: 6q23.3.
Variant type: single nucleotide variant.
Coding change: c.1913-153G>A on transcript NM_001134831.2 (MANE Select); 153 bases into the intron before coding-DNA position 1913, G replaced by A.
Molecular consequence: intron variant.
Genome position (GRCh38, 1-based): chr6:135,438,651, C>T on the plus strand (G>A on the coding strand, the complement: AHI1 is on the minus strand). VCF-style: chr6-135438651-C-T. GRCh37 (hg19) VCF-style: chr6-135759789-C-T.
Other names: c.1913-153G>A (NM_001134830.2, NM_001350503.2, NM_017651.5 and 2 more transcripts).
Identifiers: ClinVar variation 678291 (VCV000678291.2), dbSNP rs113547855, ClinGen allele CA148126186.

ClinVar aggregate classification (germline): Likely benign. Review status: criteria provided, multiple submitters, no conflicts (2 of 4 stars). 2 submissions from 2 submitters: Likely benign (2). Last evaluated 2018-06-16.

Allele frequency attached by ClinVar (database versions not stated): 1000 Genomes Project 30x 0.01109; TOPMed 0.01116; gnomAD 0.00980 and 0.01056; 1000 Genomes Project 0.01038.
gnomAD v4.1: 1,472 of 152,056 alleles (0.97%); highest among the groups gnomAD compares: African/African-American, 3.3%; 22 homozygotes.

Submissions (2):

GeneDx
Classification: Likely benign. Last evaluated: 2018-06-16. Review status: criteria provided, single submitter. Criteria: GeneDx Variant Classification (06012015). Collection method: clinical testing. Allele origin: germline. Affected: yes.
Comment: This variant is considered likely benign or benign based on one or more of the following criteria: it is a conservative change, it occurs at a poorly conserved position in the protein, it is predicted to be benign by multiple in silico algorithms, and/or has population frequency not consistent with disease.

Breakthrough Genomics
Classification: Likely benign. Review status: criteria provided, single submitter. Criteria: ACMG Guidelines, 2015. Collection method: not provided. Allele origin: germline. Inheritance: Autosomal recessive inheritance. Affected: yes.